The following is an entry in ClinVar:

NM_006947.4(SRP72):c.190G>C (p.Ala64Pro)

Gene: SRP72 (signal recognition particle 72; plus strand). Cytogenetic location: 4q12.
Variant type: single nucleotide variant.
Coding change: c.190G>C on transcript NM_006947.4 (MANE Select); coding-DNA position 190, G replaced by C.
Protein change: p.Ala64Pro; replaces alanine 64 with proline.
Molecular consequence: missense variant. On other transcripts: non-coding transcript variant (1).
Genome position (GRCh38, 1-based): chr4:56,469,733, G>C. VCF-style: chr4-56469733-G-C. GRCh37 (hg19) VCF-style: chr4-57335899-G-C.
Other names: c.190G>C, p.Ala64Pro (NM_001267722.2); short protein forms A64P.
Identifiers: ClinVar variation 2663350 (VCV002663350.2), dbSNP rs1472680556, ClinGen allele CA356995903.
Genomic context (GRCh38, chr4:56,469,733, plus strand): 5'-GACGTAACTGCCCTGCATTGTAAAGTGGTATGCCTTATCCAGAATGGAAGTTTCAAGGAA[G>C]CTTTGAATGTCATCAATACTCACACCAAAGTGTTAGCCAAGTAAGTGATTCAGTTAGTTG-3'
Protein context (NP_008878.3, residues 54-74): CLIQNGSFKE[Ala64Pro]LNVINTHTKV

ClinVar aggregate classification (germline): Uncertain significance. Review status: criteria provided, multiple submitters, no conflicts (2 of 4 stars). 2 submissions from 2 submitters: Uncertain significance (2). Last evaluated 2025-02-13.

Allele frequency attached by ClinVar (database versions not stated): TOPMed below 0.00001; gnomAD 0.00001.
gnomAD v4.1: 1 of 1,612,620 alleles (0.000062%); highest among the groups gnomAD compares: Non-Finnish European, 0.000085%; no homozygotes.

Submissions (2):

Ambry Genetics
Classification: Uncertain significance. Last evaluated: 2025-02-13. Review status: criteria provided, single submitter. Criteria: Ambry Variant Classification Scheme 2023. Collection method: clinical testing. Allele origin: germline.
Comment: The p.A64P variant (also known as c.190G>C), located in coding exon 2 of the SRP72 gene, results from a G to C substitution at nucleotide position 190. The alanine at codon 64 is replaced by proline, an amino acid with highly similar properties. This amino acid position is conserved. In addition, this alteration is predicted to be deleterious by in silico analysis. Based on the available evidence, the clinical significance of this variant remains unclear.

GeneDx
Classification: Uncertain significance. Last evaluated: 2023-04-06. Review status: criteria provided, single submitter. Criteria: GeneDx Variant Classification Process June 2021. Collection method: clinical testing. Allele origin: germline. Affected: yes.
Comment: Not observed at significant frequency in large population cohorts (gnomAD); In silico analysis supports that this missense variant has a deleterious effect on protein structure/function; Has not been previously published as pathogenic or benign to our knowledge; This variant is associated with the following publications: (PMID: 28369529, 27899666)